The following is an entry in ClinVar:

ClinVar aggregate classification (germline): Uncertain significance. Review status: criteria provided, multiple submitters, no conflicts (2 of 4 stars). 2 submissions from 2 submitters: Uncertain significance (2). Last evaluated 2025-03-12.

Allele frequency attached by ClinVar (database versions not stated): gnomAD exomes 0.00004; TOPMed 0.00001; gnomAD 0.00002; ExAC 0.00003.

Submissions (2):

Labcorp Genetics (formerly Invitae), Labcorp
Classification: Uncertain significance. Last evaluated: 2025-03-12. Review status: criteria provided, single submitter. Criteria: Invitae Variant Classification Sherloc (09022015). Collection method: clinical testing. Allele origin: germline.
Comment: This sequence change replaces proline, which is neutral and non-polar, with serine, which is neutral and polar, at codon 47 of the SMPX protein (p.Pro47Ser). This variant is present in population databases (rs750405885, gnomAD 0.01%). This variant has not been reported in the literature in individuals affected with SMPX-related conditions. ClinVar contains an entry for this variant (Variation ID: 996290). An algorithm developed to predict the effect of missense changes on protein structure and function (PolyPhen-2) suggests that this variant is likely to be disruptive. In summary, the available evidence is currently insufficient to determine the role of this variant in disease. Therefore, it has been classified as a Variant of Uncertain Significance.

Women's Health and Genetics/Laboratory Corporation of America, LabCorp
Classification: Uncertain significance. Last evaluated: 2022-04-26. Review status: criteria provided, single submitter. Criteria: LabCorp Variant Classification Summary - May 2015. Collection method: clinical testing. Allele origin: germline.
Comment: Variant summary: SMPX c.139C>T (p.Pro47Ser) results in a non-conservative amino acid change in the encoded protein sequence. Three of five in-silico tools predict a benign effect of the variant on protein function. The variant allele was found at a frequency of 3.8e-05 in 183064 control chromosomes (gnomAD). The available data on variant occurrences in the general population are insufficient to allow any conclusion about variant significance. To our knowledge, no occurrence of c.139C>T in individuals affected with Deafness, X-Linked 4 and no experimental evidence demonstrating its impact on protein function have been reported. No clinical diagnostic laboratories have submitted clinical-significance assessments for this variant to ClinVar after 2014. Based on the evidence outlined above, the variant was classified as uncertain significance.

NM_014332.3(SMPX):c.139C>T (p.Pro47Ser)

Gene: SMPX (small muscle protein X-linked; minus strand). Cytogenetic location: Xp22.12.
Variant type: single nucleotide variant.
Coding change: c.139C>T on transcript NM_014332.3 (MANE Select); coding-DNA position 139, C replaced by T.
Protein change: p.Pro47Ser; replaces proline 47 with serine.
Molecular consequence: missense variant. On other transcripts: non-coding transcript variant (1).
Genome position (GRCh38, 1-based): chrX:21,737,691, G>A on the plus strand (C>T on the coding strand, the complement: SMPX is on the minus strand). VCF-style: chrX-21737691-G-A. GRCh37 (hg19) VCF-style: chrX-21755809-G-A.
Other names: short protein forms P47S.
Identifiers: ClinVar variation 996290 (VCV000996290.5), dbSNP rs750405885, ClinGen allele CA10367212.